The following is an entry in ClinVar:

NM_017617.5(NOTCH1):c.3192C>T (p.Asp1064=)

Gene: NOTCH1 (notch receptor 1; minus strand). Cytogenetic location: 9q34.3.
Variant type: single nucleotide variant.
Coding change: c.3192C>T on transcript NM_017617.5 (MANE Select); coding-DNA position 3192, C replaced by T.
Protein change: p.Asp1064=; no amino-acid change (aspartic acid 1064 retained).
Molecular consequence: synonymous variant.
Genome position (GRCh38, 1-based): chr9:136,508,365, G>A on the plus strand (C>T on the coding strand, the complement: NOTCH1 is on the minus strand). VCF-style: chr9-136508365-G-A. GRCh37 (hg19) VCF-style: chr9-139402817-G-A.
Other names: c.3192C>T, p.Asp1064= (LRG_1122t1).
Identifiers: ClinVar variation 515945 (VCV000515945.4), dbSNP rs587778565, ClinGen allele CA467833568.

ClinVar aggregate classification (germline): Likely benign. Review status: criteria provided, multiple submitters, no conflicts (2 of 4 stars). 2 submissions from 2 submitters: Likely benign (2). Last evaluated 2023-05-20.

Conditions:
Adams-Oliver syndrome 5 (AOS5). Identifiers: Orphanet 974, MedGen C4014970, MONDO:0014459, OMIM 616028.

Allele frequency attached by ClinVar (database versions not stated): gnomAD exomes below 0.00001.
gnomAD v4.1: 1 of 1,613,246 alleles (0.000062%); highest among the groups gnomAD compares: Non-Finnish European, 0.000085%; no homozygotes.

Submissions (2):

Labcorp Genetics (formerly Invitae), Labcorp
Classification: Likely benign for Adams-Oliver syndrome 5. Last evaluated: 2023-05-20. Review status: criteria provided, single submitter. Criteria: Invitae Variant Classification Sherloc (09022015). Collection method: clinical testing. Allele origin: germline.

GeneDx
Classification: Likely benign. Last evaluated: 2018-03-13. Review status: criteria provided, single submitter. Criteria: GeneDx Variant Classification (06012015). Collection method: clinical testing. Allele origin: germline. Affected: yes.
Comment: This variant is considered likely benign or benign based on one or more of the following criteria: it is a conservative change, it occurs at a poorly conserved position in the protein, it is predicted to be benign by multiple in silico algorithms, and/or has population frequency not consistent with disease.